The following is an entry in ClinVar:

NM_003244.4(TGIF1):c.753G>C (p.Gln251His)

Gene: TGIF1 (TGFB induced factor homeobox 1; plus strand). Cytogenetic location: 18p11.31.
Variant type: single nucleotide variant.
Coding change: c.753G>C on transcript NM_003244.4 (MANE Select); coding-DNA position 753, G replaced by C.
Protein change: p.Gln251His; replaces glutamine 251 with histidine.
Molecular consequence: missense variant.
Genome position (GRCh38, 1-based): chr18:3,457,874, G>C. VCF-style: chr18-3457874-G-C. GRCh37 (hg19) VCF-style: chr18-3457872-G-C.
Other names: c.762G>C, p.Gln254His (NM_001278682.2); c.753G>C, p.Gln251His (NM_001278684.2, NM_173208.3); c.693G>C, p.Gln231His (NM_001278686.3, NM_001374396.1, NM_001374397.1 and 5 more transcripts); c.795G>C, p.Gln265His (NM_173207.4); short protein forms Q231H, Q251H, Q254H, Q265H.
Identifiers: ClinVar variation 4690162 (VCV004690162.1).

ClinVar aggregate classification (germline): Uncertain significance (1 of 4 stars; one submission).

Submission:

GeneDx
Classification: Uncertain significance. Last evaluated: 2025-08-01. Review status: criteria provided, single submitter. Criteria: GeneDx Variant Classification Process June 2021. Collection method: clinical testing. Allele origin: germline. Affected: yes.
Comment: Not observed at significant frequency in large population cohorts (gnomAD); In silico analysis suggests that this missense variant does not alter protein structure/function; Has not been previously published as pathogenic or benign to our knowledge